The following is an entry in ClinVar:

ClinVar aggregate classification (germline): Conflicting classifications of pathogenicity. Review status: criteria provided, conflicting classifications (1 of 4 stars). 4 submissions from 3 submitters: Uncertain significance (2); Likely benign (1). 1 of the submissions does not count toward it. Last evaluated 2025-06-10.

Conditions:
MKKS-related disorder. Also called: MKKS-related disorders; MKKS-related condition.
Bardet-Biedl syndrome (BBS). Identifiers: Orphanet 110, MedGen C0752166, MONDO:0015229.
McKusick-Kaufman syndrome (MKKS). Also called: HYDROMETROCOLPOS SYNDROME; HYDROMETROCOLPOS, POSTAXIAL POLYDACTYLY, AND CONGENITAL HEART MALFORMATION. Identifiers: Orphanet 2473, MedGen C0948368, MONDO:0009367, OMIM 236700.
Bardet-Biedl syndrome 6 (BBS6). Identifiers: Orphanet 110, MedGen C1858054, MONDO:0011523, OMIM 605231.

Allele frequency attached by ClinVar (database versions not stated): gnomAD 0.00001; gnomAD exomes 0.00002; TOPMed 0.00002; ESP Exome Variant Server 0.00015.
gnomAD v4.1: 31 of 1,612,078 alleles (0.0019%); highest among the groups gnomAD compares: Non-Finnish European, 0.0025%; no homozygotes.

Submissions (4):

Labcorp Genetics (formerly Invitae), Labcorp
Classification: Likely benign for McKusick-Kaufman syndrome; Bardet-Biedl syndrome. Last evaluated: 2025-06-10. Review status: criteria provided, single submitter. Criteria: Invitae Variant Classification Sherloc (09022015). Collection method: clinical testing. Allele origin: germline.

Illumina Laboratory Services, Illumina
Classification: Uncertain significance for McKusick-Kaufman syndrome. Last evaluated: 2018-01-12. Review status: criteria provided, single submitter. Criteria: ICSL Variant Classification Criteria 13 December 2019. Collection method: clinical testing. Allele origin: germline.

Illumina Laboratory Services, Illumina
Classification: Uncertain significance for Bardet-Biedl syndrome 6. Last evaluated: 2018-01-12. Review status: criteria provided, single submitter. Criteria: ICSL Variant Classification Criteria 13 December 2019. Collection method: clinical testing. Allele origin: germline.

PreventionGenetics, part of Exact Sciences
Classification: Likely benign for MKKS-related condition. Last evaluated: 2020-11-24. Review status: no assertion criteria provided. Collection method: clinical testing. Allele origin: germline. Not counted in ClinVar's aggregate classification.
Comment: This variant is classified as likely benign based on ACMG/AMP sequence variant interpretation guidelines (Richards et al. 2015 PMID: 25741868, with internal and published modifications).

NM_170784.3(MKKS):c.1269C>T (p.His423=)

Gene: MKKS (MKKS centrosomal shuttling protein; minus strand). Cytogenetic location: 20p12.2.
Variant type: single nucleotide variant.
Coding change: c.1269C>T on transcript NM_170784.3 (MANE Select); coding-DNA position 1269, C replaced by T.
Protein change: p.His423=; no amino-acid change (histidine 423 retained).
Molecular consequence: synonymous variant. On other transcripts: non-coding transcript variant (1).
Genome position (GRCh38, 1-based): chr20:10,407,619, G>A on the plus strand (C>T on the coding strand, the complement: MKKS is on the minus strand). VCF-style: chr20-10407619-G-A. GRCh37 (hg19) VCF-style: chr20-10388267-G-A.
Other names: c.1269C>T, p.His423= (NM_018848.3).
Identifiers: ClinVar variation 337690 (VCV000337690.10), dbSNP rs144313303, ClinGen allele CA9763520.
Genomic context (GRCh38, chr20:10,407,619, plus strand): 5'-TCAGAAAACAAAAGTTGCTGAGAATTCAGGTAATCCGAAGAGGATTATCTTACATACCTT[G>A]TGTCTGATATATGCAGCCAAATGAGTTTCAGTACAGCCACCTCCCAACAAAGCCCATGGT-3'
Protein context (NP_740754.1, residues 413-433): TETHLAAYIR[His423=]KTHNDPESIL